The following is an entry in ClinVar:

ClinVar aggregate classification (germline): Uncertain significance (1 of 4 stars; one submission).

Conditions:
Idiopathic generalized epilepsy. Also called: EIG; Generalised epilepsy. Identifiers: MedGen C0270850, MONDO:0005579, OMIM 600669.
Hyperaldosteronism, familial, type IV (HALD4). Also called: FH IV; ALDOSTERONISM, PRIMARY, AND HYPERTENSION. Identifiers: Orphanet 642671, MedGen C4310756, MONDO:0014875, OMIM 617027.

Allele frequency attached by ClinVar (database versions not stated): gnomAD exomes 0.00001.
gnomAD v4.1: 11 of 1,565,090 alleles (0.0007%); highest among the groups gnomAD compares: Non-Finnish European, 0.00087%; no homozygotes.

Submission:

Labcorp Genetics (formerly Invitae), Labcorp
Classification: Uncertain significance for Idiopathic generalized epilepsy; Hyperaldosteronism, familial, type IV. Last evaluated: 2024-11-11. Review status: criteria provided, single submitter. Criteria: Invitae Variant Classification Sherloc (09022015). Collection method: clinical testing. Allele origin: germline.
Comment: This sequence change replaces histidine, which is basic and polar, with tyrosine, which is neutral and polar, at codon 1944 of the CACNA1H protein (p.His1944Tyr). The frequency data for this variant in the population databases is considered unreliable, as metrics indicate poor data quality at this position in the gnomAD database. This variant has not been reported in the literature in individuals affected with CACNA1H-related conditions. ClinVar contains an entry for this variant (Variation ID: 1433506). Invitae Evidence Modeling of protein sequence and biophysical properties (such as structural, functional, and spatial information, amino acid conservation, physicochemical variation, residue mobility, and thermodynamic stability) indicates that this missense variant is not expected to disrupt CACNA1H protein function with a negative predictive value of 80%. In summary, the available evidence is currently insufficient to determine the role of this variant in disease. Therefore, it has been classified as a Variant of Uncertain Significance.

NM_021098.3(CACNA1H):c.5830C>T (p.His1944Tyr)

Gene: CACNA1H (calcium voltage-gated channel subunit alpha1 H; plus strand). Cytogenetic location: 16p13.3.
Variant type: single nucleotide variant.
Coding change: c.5830C>T on transcript NM_021098.3 (MANE Select); coding-DNA position 5830, C replaced by T.
Protein change: p.His1944Tyr; replaces histidine 1944 with tyrosine.
Molecular consequence: missense variant.
Genome position (GRCh38, 1-based): chr16:1,218,594, C>T. VCF-style: chr16-1218594-C-T. GRCh37 (hg19) VCF-style: chr16-1268594-C-T.
Other names: c.5812C>T, p.His1938Tyr (NM_001005407.2); short protein forms H1938Y, H1944Y.
Identifiers: ClinVar variation 1433506 (VCV001433506.8), dbSNP rs1413245721, ClinGen allele CA394147978.